The following is an entry in ClinVar:

ClinVar aggregate classification (germline): Uncertain significance. Review status: criteria provided, multiple submitters, no conflicts (2 of 4 stars). 4 submissions from 4 submitters: Uncertain significance (4). Last evaluated 2026-07-21.

Conditions:
Familial thoracic aortic aneurysm and aortic dissection (TAAD). Also called: Thoracic aortic aneurysms and dissections. Identifiers: Orphanet 91387, MedGen C4707243, MONDO:0019625.
Ehlers-Danlos syndrome, type 4 (EDSVASC). Also called: Ehlers-Danlos syndrome vascular type; Ehlers Danlos syndrome, ecchymotic type; Ehlers Danlos syndrome, arterial type; Ehlers Danlos syndrome, Sack-Barabas type; Ehlers-Danlos Syndrome Type IV. Identifiers: Orphanet 286, MedGen C0268338, MONDO:0017314, OMIM 130050.

Allele frequency attached by ClinVar (database versions not stated): TOPMed below 0.00001.
gnomAD v4.1: 2 of 1,559,490 alleles (0.00013%); highest among the groups gnomAD compares: Non-Finnish European, 0.00017%; no homozygotes.

Submissions (4):

Ambry Genetics
Classification: Uncertain significance for Familial thoracic aortic aneurysm and aortic dissection. Last evaluated: 2026-07-21. Review status: criteria provided, single submitter. Criteria: Ambry Variant Classification Scheme 2023. Collection method: clinical testing. Allele origin: germline.
Comment: The p.A511T variant (also known as c.1531G>A), located in coding exon 22 of the COL3A1 gene, results from a G to A substitution at nucleotide position 1531. The alanine at codon 511 is replaced by threonine, an amino acid with similar properties. This amino acid position is conserved. In addition, this alteration is predicted to be tolerated by in silico analysis. Based on the available evidence, the clinical significance of this variant remains unclear.

GeneDx
Classification: Uncertain significance. Last evaluated: 2024-03-11. Review status: criteria provided, single submitter. Criteria: GeneDx Variant Classification Process June 2021. Collection method: clinical testing. Allele origin: germline.
Comment: Not observed at significant frequency in large population cohorts (gnomAD); In silico analysis supports that this missense variant does not alter protein structure/function; Has not been previously published as pathogenic or benign to our knowledge

Color Diagnostics, LLC DBA Color Health
Classification: Uncertain significance for Familial thoracic aortic aneurysm and aortic dissection. Last evaluated: 2023-12-05. Review status: criteria provided, single submitter. Criteria: ACMG Guidelines, 2015. Collection method: clinical testing. Allele origin: germline.
Comment: Variant of Uncertain Significance due to insufficient evidence: This missense variant is located in the triple-helical region of the COL3A1 protein. Computational prediction tools and conservation analyses suggest that this variant may not impact the protein function. Computational splicing tools suggest that this variant may not impact RNA splicing. To our knowledge, functional assays have not been performed for this variant nor has this variant been reported in individuals affected with cardiovascular disorders in the literature. This variant is rare in the general population and has been identified in 0/277264 chromosomes by the Genome Aggregation Database (gnomAD). Available evidence is insufficient to determine the pathogenicity of this variant conclusively.

Labcorp Genetics (formerly Invitae), Labcorp
Classification: Uncertain significance for Ehlers-Danlos syndrome, type 4. Last evaluated: 2023-10-04. Review status: criteria provided, single submitter. Criteria: Invitae Variant Classification Sherloc (09022015). Collection method: clinical testing. Allele origin: germline.
Comment: This sequence change replaces alanine, which is neutral and non-polar, with threonine, which is neutral and polar, at codon 511 of the COL3A1 protein (p.Ala511Thr). This variant is not present in population databases (gnomAD no frequency). This variant has not been reported in the literature in individuals affected with COL3A1-related conditions. ClinVar contains an entry for this variant (Variation ID: 629401). Advanced modeling of protein sequence and biophysical properties (such as structural, functional, and spatial information, amino acid conservation, physicochemical variation, residue mobility, and thermodynamic stability) performed at Invitae indicates that this missense variant is not expected to disrupt COL3A1 protein function. In summary, the available evidence is currently insufficient to determine the role of this variant in disease. Therefore, it has been classified as a Variant of Uncertain Significance.

NM_000090.4(COL3A1):c.1531G>A (p.Ala511Thr)

Gene: COL3A1 (collagen type III alpha 1 chain; plus strand). Cytogenetic location: 2q32.2.
Variant type: single nucleotide variant.
Coding change: c.1531G>A on transcript NM_000090.4 (MANE Select); coding-DNA position 1531, G replaced by A.
Protein change: p.Ala511Thr; replaces alanine 511 with threonine.
Molecular consequence: missense variant.
Genome position (GRCh38, 1-based): chr2:188,995,713, G>A. VCF-style: chr2-188995713-G-A. GRCh37 (hg19) VCF-style: chr2-189860439-G-A.
Other names: short protein forms A511T.
Identifiers: ClinVar variation 629401 (VCV000629401.14), dbSNP rs926106259, ClinGen allele CA62596900.